The following is an entry in ClinVar:

ClinVar aggregate classification (germline): Uncertain significance. Review status: criteria provided, multiple submitters, no conflicts (2 of 4 stars). 3 submissions from 3 submitters: Uncertain significance (3). Last evaluated 2025-11-17.

Conditions:
Autoimmune lymphoproliferative syndrome, type III caused by mutation in PRKCD. Identifiers: Orphanet 3261, Orphanet 664711, MedGen C3809928, MONDO:8000024, OMIM 615559.
Inborn genetic diseases. Identifiers: MedGen C0950123, MeSH D030342.
PRKCD-related disorder. Also called: PRKCD-related condition.

Allele frequency attached by ClinVar (database versions not stated): ExAC 0.00002; gnomAD exomes 0.00002 and 0.00003; TOPMed 0.00002; gnomAD 0.00007 and 0.00008.
gnomAD v4.1: 46 of 1,613,938 alleles (0.0029%); highest among the groups gnomAD compares: South Asian, 0.016%; no homozygotes.

Submissions (3):

PreventionGenetics, part of Exact Sciences
Classification: Uncertain significance for PRKCD-related condition. Last evaluated: 2025-11-17. Review status: criteria provided, single submitter. Criteria: ACMG Guidelines, 2015. Collection method: clinical testing. Allele origin: germline.
Comment: The PRKCD c.1927C>T variant is predicted to result in the amino acid substitution p.Arg643Cys. To our knowledge, this variant has not been reported in the literature. This variant is reported in 0.016% of alleles in individuals of South Asian descent in gnomAD. At this time, the clinical significance of this variant is uncertain due to the absence of conclusive functional and genetic evidence.

Ambry Genetics
Classification: Uncertain significance for Inborn genetic diseases. Last evaluated: 2025-02-24. Review status: criteria provided, single submitter. Criteria: Ambry Variant Classification Scheme 2023. Collection method: clinical testing. Allele origin: germline.

Labcorp Genetics (formerly Invitae), Labcorp
Classification: Uncertain significance for Autoimmune lymphoproliferative syndrome, type III caused by mutation in PRKCD. Last evaluated: 2025-01-07. Review status: criteria provided, single submitter. Criteria: Invitae Variant Classification Sherloc (09022015). Collection method: clinical testing. Allele origin: germline.
Comment: This sequence change replaces arginine, which is basic and polar, with cysteine, which is neutral and slightly polar, at codon 643 of the PRKCD protein (p.Arg643Cys). This variant is present in population databases (rs778015441, gnomAD 0.02%). This variant has not been reported in the literature in individuals affected with PRKCD-related conditions. ClinVar contains an entry for this variant (Variation ID: 945701). An algorithm developed to predict the effect of missense changes on protein structure and function (PolyPhen-2) suggests that this variant¬†is likely to be tolerated. In summary, the available evidence is currently insufficient to determine the role of this variant in disease. Therefore, it has been classified as a Variant of Uncertain Significance.

NM_006254.4(PRKCD):c.1927C>T (p.Arg643Cys)

Genes: PRKCD (protein kinase C delta; plus strand), LOC129936899 (ATAC-STARR-seq lymphoblastoid active region 19967; plus strand). Cytogenetic location: 3p21.1.
Variant type: single nucleotide variant.
Coding change: c.1927C>T on transcript NM_006254.4 (MANE Select); coding-DNA position 1927, C replaced by T.
Protein change: p.Arg643Cys; replaces arginine 643 with cysteine.
Molecular consequence: missense variant.
Genome position (GRCh38, 1-based): chr3:53,192,162, C>T. VCF-style: chr3-53192162-C-T. GRCh37 (hg19) VCF-style: chr3-53226178-C-T.
Other names: c.1927C>T, p.Arg643Cys (NM_001316327.2, NM_001354679.2, NM_001354680.2 and 1 more transcripts); c.1984C>T, p.Arg662Cys (NM_001354676.2); c.1975C>T, p.Arg659Cys (NM_001354678.2); short protein forms R662C, R643C, R659C.
Identifiers: ClinVar variation 945701 (VCV000945701.6), dbSNP rs778015441, ClinGen allele CA2452325.
Genomic context (GRCh38, chr3:53,192,162, plus strand): 5'-TTGTAGAAGTCACCCAGAGACTACAGTAACTTTGACCAGGAGTTCCTGAACGAGAAGGCG[C>T]GCCTCTCCTACAGCGACAAGAACCTCATCGACTCCATGGACCAGTCTGCATTCGCTGGCT-3'
Protein context (NP_006245.2, residues 633-653): FDQEFLNEKA[Arg643Cys]LSYSDKNLID